The following is an entry in ClinVar:

NM_015967.8(PTPN22):c.576T>C (p.Asn192=)

Genes: AP4B1-AS1 (AP4B1 antisense RNA 1; plus strand), PTPN22 (protein tyrosine phosphatase non-receptor type 22; minus strand). Cytogenetic location: 1p13.2.
Variant type: single nucleotide variant.
Coding change: c.576T>C on transcript NM_015967.8 (MANE Select); coding-DNA position 576, T replaced by C.
Protein change: p.Asn192=; no amino-acid change (asparagine 192 retained).
Molecular consequence: synonymous variant.
Genome position (GRCh38, 1-based): chr1:113,855,014, A>G on the plus strand (T>C on the coding strand, the complement: PTPN22 is on the minus strand). VCF-style: chr1-113855014-A-G. GRCh37 (hg19) VCF-style: chr1-114397636-A-G.
Other names: c.576T>C, p.Asn192= (NM_001193431.3, NM_012411.6); c.504T>C, p.Asn168= (NM_001308297.2).
Identifiers: ClinVar variation 3055112 (VCV003055112.2), dbSNP rs199570322, ClinGen allele CA1015250.

ClinVar aggregate classification (germline): Likely benign (0 of 4 stars; one submission).

Conditions:
PTPN22-related disorder. Also called: PTPN22-related condition.

Allele frequency attached by ClinVar (database versions not stated): ESP Exome Variant Server 0.00008; TOPMed 0.00011; ExAC 0.00012; gnomAD 0.00013; gnomAD exomes 0.00018; 1000 Genomes Project 0.00020; 1000 Genomes Project 30x 0.00047.
gnomAD v4.1: 275 of 1,610,218 alleles (0.017%); highest among the groups gnomAD compares: Non-Finnish European, 0.022%; no homozygotes.

Submission:

PreventionGenetics, part of Exact Sciences
Classification: Likely benign for PTPN22-related condition. Last evaluated: 2023-09-12. Review status: no assertion criteria provided. Collection method: clinical testing. Allele origin: germline.
Comment: This variant is classified as likely benign based on ACMG/AMP sequence variant interpretation guidelines (Richards et al. 2015 PMID: 25741868, with internal and published modifications).